The following is an entry in ClinVar:

NM_000032.5(ALAS2):c.829G>A (p.Glu277Lys)

Gene: ALAS2 (5'-aminolevulinate synthase 2; minus strand). Cytogenetic location: Xp11.21.
Variant type: single nucleotide variant.
Coding change: c.829G>A on transcript NM_000032.5 (MANE Select); coding-DNA position 829, G replaced by A.
Protein change: p.Glu277Lys; replaces glutamic acid 277 with lysine.
Molecular consequence: missense variant.
Genome position (GRCh38, 1-based): chrX:55,017,660, C>T on the plus strand (G>A on the coding strand, the complement: ALAS2 is on the minus strand). VCF-style: chrX-55017660-C-T. GRCh37 (hg19) VCF-style: chrX-55044093-C-T.
Other names: c.829G>A (NM_000032.4); c.718G>A, p.Glu240Lys (NM_001037967.4); c.790G>A, p.Glu264Lys (NM_001037968.4); short protein forms E277K, E240K, E264K.
Identifiers: ClinVar variation 1503397 (VCV001503397.9), dbSNP rs202150943, ClinGen allele CA10428372.
Genomic context (GRCh38, chrX:55,017,660, plus strand): 5'-CTCCACTGTTACGGATACCTTGGATCATGGAAGCATGGTTGCCTGCGTCTGAGTAAATCT[C>T]GCACCCTGAGGAAGCAGATGTATAATCCTTAAGCTTCTGTCCCAGTACTCCCACTTCAAC-3'
Protein context (NP_000023.2, residues 267-287): FTLAKILPGC[Glu277Lys]IYSDAGNHAS

ClinVar aggregate classification (germline): Uncertain significance. Review status: criteria provided, multiple submitters, no conflicts (2 of 4 stars). 2 submissions from 2 submitters: Uncertain significance (2). Last evaluated 2024-01-03.

Conditions:
Inborn genetic diseases. Identifiers: MedGen C0950123, MeSH D030342.

Allele frequency attached by ClinVar (database versions not stated): ExAC 0.00001; gnomAD 0.00004 and 0.00005; TOPMed 0.00008; ESP Exome Variant Server 0.00009.
gnomAD v4.1: 24 of 1,209,601 alleles (0.002%); highest among the groups gnomAD compares: Admixed American, 0.0087%; no homozygotes.

Submissions (2):

Ambry Genetics
Classification: Uncertain significance for Inborn genetic diseases. Last evaluated: 2024-01-03. Review status: criteria provided, single submitter. Criteria: Ambry Variant Classification Scheme 2023. Collection method: clinical testing. Allele origin: germline.

Labcorp Genetics (formerly Invitae), Labcorp
Classification: Uncertain significance. Last evaluated: 2023-12-04. Review status: criteria provided, single submitter. Criteria: Invitae Variant Classification Sherloc (09022015). Collection method: clinical testing. Allele origin: germline.
Comment: This sequence change replaces glutamic acid, which is acidic and polar, with lysine, which is basic and polar, at codon 277 of the ALAS2 protein (p.Glu277Lys). This variant is present in population databases (rs202150943, gnomAD 0.002%). This variant has not been reported in the literature in individuals affected with ALAS2-related conditions. ClinVar contains an entry for this variant (Variation ID: 1503397). Advanced modeling of protein sequence and biophysical properties (such as structural, functional, and spatial information, amino acid conservation, physicochemical variation, residue mobility, and thermodynamic stability) performed at Invitae indicates that this missense variant is not expected to disrupt ALAS2 protein function with a negative predictive value of 95%. In summary, the available evidence is currently insufficient to determine the role of this variant in disease. Therefore, it has been classified as a Variant of Uncertain Significance.